The following is an entry in ClinVar:

NM_001166114.2(PNPLA6):c.2400C>T (p.Ile800=)

Gene: PNPLA6 (patatin like domain 6, lysophospholipase; plus strand). Cytogenetic location: 19p13.2.
Variant type: single nucleotide variant.
Coding change: c.2400C>T on transcript NM_001166114.2 (MANE Select); coding-DNA position 2400, C replaced by T.
Protein change: p.Ile800=; no amino-acid change (isoleucine 800 retained).
Molecular consequence: synonymous variant.
Genome position (GRCh38, 1-based): chr19:7,554,014, C>T. VCF-style: chr19-7554014-C-T. GRCh37 (hg19) VCF-style: chr19-7618900-C-T.
Other names: c.2430C>T, p.Ile810= (NM_001166111.2); c.2205C>T, p.Ile735= (NM_001166112.2); c.2286C>T, p.Ile762= (NM_001166113.1, NM_006702.5).
Identifiers: ClinVar variation 856621 (VCV000856621.7), dbSNP rs558598120, ClinGen allele CA9140072.

ClinVar aggregate classification (germline): Uncertain significance (1 of 4 stars; one submission).

Conditions:
Hereditary spastic paraplegia 39 (SPG39). Also called: Spastic Paraplegia Type 39 (SPG39); SPASTIC PARAPLEGIA 39, AUTOSOMAL RECESSIVE. Identifiers: Orphanet 139480, MedGen C2677586, MONDO:0012787, OMIM 612020.

Allele frequency attached by ClinVar (database versions not stated): TOPMed 0.00001; gnomAD 0.00002 and 0.00003; gnomAD exomes 0.00006; ExAC 0.00008; 1000 Genomes Project 30x 0.00016; 1000 Genomes Project 0.00020.

Submission:

Labcorp Genetics (formerly Invitae), Labcorp
Classification: Uncertain significance for Hereditary spastic paraplegia 39. Last evaluated: 2024-12-02. Review status: criteria provided, single submitter. Criteria: Invitae Variant Classification Sherloc (09022015). Collection method: clinical testing. Allele origin: germline.
Comment: This sequence change affects codon 762 of the PNPLA6 mRNA. It is a 'silent' change, meaning that it does not change the encoded amino acid sequence of the PNPLA6 protein. It affects a nucleotide within the consensus splice site. This variant is present in population databases (rs558598120, gnomAD 0.02%). This variant has not been reported in the literature in individuals affected with PNPLA6-related conditions. ClinVar contains an entry for this variant (Variation ID: 856621). Algorithms developed to predict the effect of sequence changes on RNA splicing suggest that this variant is not likely to affect RNA splicing. In summary, the available evidence is currently insufficient to determine the role of this variant in disease. Therefore, it has been classified as a Variant of Uncertain Significance.